The following is an entry in ClinVar:

ClinVar aggregate classification (germline): Benign. Review status: criteria provided, multiple submitters, no conflicts (2 of 4 stars). 3 submissions from 3 submitters: Benign (3). Last evaluated 2026-09-01.

Allele frequency attached by ClinVar (database versions not stated): ExAC 0.00876; ESP Exome Variant Server 0.00915; 1000 Genomes Project 0.00399; 1000 Genomes Project 30x 0.00453; gnomAD 0.00799 and 0.00817; TOPMed 0.00826; gnomAD exomes 0.00842.
gnomAD v4.1: 15,306 of 1,603,792 alleles (0.95%); highest among the groups gnomAD compares: Middle Eastern, 1.8%; 87 homozygotes.

Submissions (3):

CeGaT Center for Human Genetics Tuebingen
Classification: Benign. Last evaluated: 2026-09-01. Review status: criteria provided, single submitter. Criteria: CeGaT Center For Human Genetics Tuebingen Variant Classification Criteria Version 2. Collection method: clinical testing. Allele origin: germline. Affected: yes. Observed: 57 variant alleles.
Comment: GRIN2D: BP4, BP7, BS1, BS2

Labcorp Genetics (formerly Invitae), Labcorp
Classification: Benign. Last evaluated: 2026-02-03. Review status: criteria provided, single submitter. Criteria: Invitae Variant Classification Sherloc (09022015). Collection method: clinical testing. Allele origin: germline.

Breakthrough Genomics
Classification: Benign. Review status: criteria provided, single submitter. Criteria: ACMG Guidelines, 2015. Collection method: not provided. Allele origin: germline. Inheritance: Autosomal dominant inheritance. Affected: yes.

NM_000836.4(GRIN2D):c.1551C>T (p.Ile517=)

Gene: GRIN2D (glutamate ionotropic receptor NMDA type subunit 2D; plus strand). Cytogenetic location: 19q13.33.
Variant type: single nucleotide variant.
Coding change: c.1551C>T on transcript NM_000836.4 (MANE Select); coding-DNA position 1551, C replaced by T.
Protein change: p.Ile517=; no amino-acid change (isoleucine 517 retained).
Molecular consequence: synonymous variant.
Genome position (GRCh38, 1-based): chr19:48,415,002, C>T. VCF-style: chr19-48415002-C-T. GRCh37 (hg19) VCF-style: chr19-48918259-C-T.
Identifiers: ClinVar variation 788837 (VCV000788837.42), dbSNP rs76779682, ClinGen allele CA9550533.